The following is an entry in ClinVar:

NM_001365536.1(SCN9A):c.1314+3A>T

Genes: SCN9A (sodium voltage-gated channel alpha subunit 9; minus strand), SCN1A-AS1 (SCN1A and SCN9A antisense RNA 1; plus strand). Cytogenetic location: 2q24.3.
Variant type: single nucleotide variant.
Coding change: c.1314+3A>T on transcript NM_001365536.1 (MANE Select); 3 bases into the intron after coding-DNA position 1314, A replaced by T.
Molecular consequence: intron variant.
Genome position (GRCh38, 1-based): chr2:166,288,434, T>A on the plus strand (A>T on the coding strand, the complement: SCN9A is on the minus strand). VCF-style: chr2-166288434-T-A. GRCh37 (hg19) VCF-style: chr2-167144944-T-A.
Other names: c.1314+3A>T (NM_002977.4).
Identifiers: ClinVar variation 471081 (VCV000471081.10), dbSNP rs774219473, ClinGen allele CA1944549.
Genomic context (GRCh38, chr2:166,288,434, plus strand): 5'-AGCCTCTGTTGTAACCGTTTGCATTTCTACCTCTAGGAAGAATTTTAAATCAAATAACAG[T>A]ACCTCAGCTTCTTCTTGCTCTTTTTTAAGACGGTCTAACATCTGTTGAAATTCTAATTCT-3'

ClinVar aggregate classification (germline): Uncertain significance. Review status: criteria provided, multiple submitters, no conflicts (2 of 4 stars). 2 submissions from 2 submitters: Uncertain significance (2). Last evaluated 2025-02-12.

Conditions:
Neuropathy, hereditary sensory and autonomic, type 2A (HSAN2A). Also called: ACROOSTEOLYSIS, NEUROGENIC; ACROOSTEOLYSIS, GIACCAI TYPE; MORVAN DISEASE; NEUROPATHY, CONGENITAL SENSORY; NEUROPATHY, HEREDITARY SENSORY RADICULAR, AUTOSOMAL RECESSIVE; NEUROPATHY, HEREDITARY SENSORY, TYPE IIA. Identifiers: Orphanet 970, MedGen C2752089, MONDO:0024309, OMIM 201300.
Generalized epilepsy with febrile seizures plus, type 7 (GEFSP7). Also called: GEFS+, TYPE 7. Identifiers: Orphanet 36387, MedGen C2751778, MONDO:0013470, OMIM 613863.

Allele frequency attached by ClinVar (database versions not stated): gnomAD 0.00001; TOPMed 0.00001; ExAC 0.00002; gnomAD exomes 0.00003.
gnomAD v4.1: 20 of 1,604,126 alleles (0.0012%); highest among the groups gnomAD compares: Middle Eastern, 0.018%; no homozygotes.

Submissions (2):

Labcorp Genetics (formerly Invitae), Labcorp
Classification: Uncertain significance for Neuropathy, hereditary sensory and autonomic, type 2A; Generalized epilepsy with febrile seizures plus, type 7. Last evaluated: 2025-02-12. Review status: criteria provided, single submitter. Criteria: Invitae Variant Classification Sherloc (09022015). Collection method: clinical testing. Allele origin: germline.
Comment: This sequence change falls in intron 10 of the SCN9A gene. It does not directly change the encoded amino acid sequence of the SCN9A protein. It affects a nucleotide within the consensus splice site. This variant is present in population databases (rs774219473, gnomAD 0.02%). This variant has not been reported in the literature in individuals affected with SCN9A-related conditions. ClinVar contains an entry for this variant (Variation ID: 471081). Variants that disrupt the consensus splice site are a relatively common cause of aberrant splicing (PMID: 17576681, 9536098). Algorithms developed to predict the effect of sequence changes on RNA splicing suggest that this variant may disrupt the consensus splice site. In summary, the available evidence is currently insufficient to determine the role of this variant in disease. Therefore, it has been classified as a Variant of Uncertain Significance.

GeneDx
Classification: Uncertain significance. Last evaluated: 2020-07-02. Review status: criteria provided, single submitter. Criteria: GeneDx Variant Classification Process June 2021. Collection method: clinical testing. Allele origin: germline. Affected: yes.
Comment: In silico analysis supports a deleterious effect on splicing; Has not been previously published as pathogenic or benign to our knowledge

Literature cited by the submitters: PubMed 17576681 (cited by Labcorp Genetics (formerly Invitae), Labcorp); PubMed 9536098 (cited by Labcorp Genetics (formerly Invitae), Labcorp).